The following is an entry in ClinVar:

NM_006392.4(NOP56):c.1415G>A (p.Cys472Tyr)

Gene: NOP56 (NOP56 ribonucleoprotein; plus strand). Cytogenetic location: 20p13.
Variant type: single nucleotide variant.
Coding change: c.1415G>A on transcript NM_006392.4 (MANE Select); coding-DNA position 1415, G replaced by A.
Protein change: p.Cys472Tyr; replaces cysteine 472 with tyrosine.
Molecular consequence: missense variant. On other transcripts: non-coding transcript variant (2).
Genome position (GRCh38, 1-based): chr20:2,657,214, G>A. VCF-style: chr20-2657214-G-A. GRCh37 (hg19) VCF-style: chr20-2637860-G-A.
Other names: short protein forms C472Y.
Identifiers: ClinVar variation 2633222 (VCV002633222.1), dbSNP rs2514743642, ClinGen allele CA408028179.

ClinVar aggregate classification (germline): Uncertain significance (1 of 4 stars; one submission).

Conditions:
NOP56-related disorder. Also called: NOP56-related condition.

Submission:

PreventionGenetics, part of Exact Sciences
Classification: Uncertain significance for NOP56-related condition. Last evaluated: 2023-04-24. Review status: criteria provided, single submitter. Criteria: ACMG Guidelines, 2015. Collection method: clinical testing. Allele origin: germline.
Comment: The NOP56 c.1415G>A variant is predicted to result in the amino acid substitution p.Cys472Tyr. To our knowledge, this variant has not been reported in the literature or in a large population database, indicating this variant is rare. At this time, the clinical significance of this variant is uncertain due to the absence of conclusive functional and genetic evidence.